The following is an entry in ClinVar:

ClinVar aggregate classification (germline): Benign. Review status: criteria provided, multiple submitters, no conflicts (2 of 4 stars). 2 submissions from 2 submitters: Benign (2). Last evaluated 2018-01-13.

Conditions:
Occult macular dystrophy (OCMD). Also called: OMD; OCCULT MACULAR DYSTROPHY, SUSCEPTIBILITY TO. Identifiers: Orphanet 247834, MedGen C3150833, MONDO:0013316, OMIM 613587, HP:0030636.

Allele frequency attached by ClinVar (database versions not stated): ExAC 0.00308; gnomAD 0.01043 and 0.01122; ESP Exome Variant Server 0.01145; 1000 Genomes Project 0.01378.
gnomAD v4.1: 2,407 of 1,572,950 alleles (0.15%); highest among the groups gnomAD compares: African/African-American, 3.1%; 34 homozygotes.

Submissions (2):

Illumina Laboratory Services, Illumina
Classification: Benign for Occult macular dystrophy. Last evaluated: 2018-01-13. Review status: criteria provided, single submitter. Criteria: ICSL Variant Classification Criteria 13 December 2019. Collection method: clinical testing. Allele origin: germline.
Comment: This variant was observed in the ICSL laboratory as part of a predisposition screen in an ostensibly healthy population. It had not been previously curated by ICSL or reported in the Human Gene Mutation Database (HGMD: prior to June 1st, 2018), and was therefore a candidate for classification through an automated scoring system. Utilizing variant allele frequency, disease prevalence and penetrance estimates, and inheritance mode, an automated score was calculated to assess if this variant is too frequent to cause the disease. Based on the score and internal cut-off values, a variant classified as benign is not then subjected to further curation. The score for this variant resulted in a classification of benign for this disease.

Breakthrough Genomics
Classification: Benign. Review status: criteria provided, single submitter. Criteria: ACMG Guidelines, 2015. Collection method: not provided. Allele origin: germline. Inheritance: Autosomal recessive inheritance. Affected: yes.

NM_178857.6(RP1L1):c.4091G>C (p.Gly1364Ala)

Gene: RP1L1 (RP1 like 1). Cytogenetic location: 8p23.1.
Variant type: single nucleotide variant.
Coding change: c.4091G>C on transcript NM_178857.6 (MANE Select); coding-DNA position 4091, G replaced by C.
Protein change: p.Gly1364Ala; replaces glycine 1364 with alanine.
Molecular consequence: missense variant.
Genome position (GRCh38, 1-based): chr8:10,610,007, C>G on the plus strand (G>C on the coding strand, the complement: RP1L1 is on the minus strand). VCF-style: chr8-10610007-C-G. GRCh37 (hg19) VCF-style: chr8-10467517-C-G.
Other names: short protein forms G1364A.
Identifiers: ClinVar variation 361286 (VCV000361286.6), dbSNP rs116752225, ClinGen allele CA4624136.
Genomic context (GRCh38, chr8:10,610,007, plus strand): 5'-CCTCCTTCTGGCCCTTCTTTAACTTCCTCTAACTGCACCCCCTCTTCTTGCAGCCCTTCT[C>G]CTCCTGTTTCTTCAATTTCCTCTAACTGCGCCTCTTCTTCTTGCTGTCCTTCTCCTTCTG-3'
Protein context (NP_849188.4, residues 1354-1374): AQLEEIEETG[Gly1364Ala]EGLQEEGVQL